The following is an entry in ClinVar:

ClinVar aggregate classification (germline): Uncertain significance (1 of 4 stars; one submission).

Conditions:
Developmental delay with or without dysmorphic facies and autism. Identifiers: MedGen C5193106, MONDO:0032760, OMIM 618454.

gnomAD v4.1: 25 of 1,614,134 alleles (0.0015%); highest among the groups gnomAD compares: Middle Eastern, 0.41%; 4 homozygotes.

Submission:

Baylor Genetics
Classification: Uncertain significance for Developmental delay with or without dysmorphic facies and autism. Last evaluated: 2019-09-02. Review status: criteria provided, single submitter. Criteria: ACMG Guidelines, 2015. Collection method: clinical testing. Allele origin: unknown. Affected: yes.
Comment: This variant was determined to be of uncertain significance according to ACMG Guidelines, 2015 [PMID:25741868].

NM_001375524.1(TRRAP):c.8410A>C (p.Met2804Leu)

Gene: TRRAP (transformation/transcription domain associated protein; plus strand). Cytogenetic location: 7q22.1.
Variant type: single nucleotide variant.
Coding change: c.8410A>C on transcript NM_001375524.1 (MANE Select); coding-DNA position 8410, A replaced by C.
Protein change: p.Met2804Leu; replaces methionine 2804 with leucine.
Molecular consequence: missense variant.
Genome position (GRCh38, 1-based): chr7:98,978,235, A>C. VCF-style: chr7-98978235-A-C. GRCh37 (hg19) VCF-style: chr7-98575858-A-C.
Other names: c.8389A>C, p.Met2797Leu (NM_001244580.2); c.8335A>C, p.Met2779Leu (NM_003496.4); short protein forms M2779L, M2797L, M2804L.
Identifiers: ClinVar variation 1028626 (VCV001028626.1), dbSNP rs866759974, ClinGen allele CA163075601.
Genomic context (GRCh38, chr7:98,978,235, plus strand): 5'-GTTAAACAGTGATTTAAAAACATTAACTTTTTTTAGGCACAAGAATCCTATGAAAAGGCA[A>C]TGGATAAAGCCAAAAAAGAACATGAGAGGAGTAACGCCTCCCCTGCTATTTTCCCTGAAT-3'
Protein context (NP_001362453.1, residues 2794-2814): EQAQESYEKA[Met2804Leu]DKAKKEHERS